The following is an entry in ClinVar:

ClinVar aggregate classification (germline): Pathogenic (1 of 4 stars; one submission).

Conditions:
Primary ciliary dyskinesia. Also called: Ciliary dyskinesia. Identifiers: Orphanet 244, MedGen C0008780, MONDO:0016575, HP:0012265.

Submission:

Labcorp Genetics (formerly Invitae), Labcorp
Classification: Pathogenic for Primary ciliary dyskinesia. Last evaluated: 2023-03-26. Review status: criteria provided, single submitter. Criteria: Invitae Variant Classification Sherloc (09022015). Collection method: clinical testing. Allele origin: unknown.
Comment: For these reasons, this variant has been classified as Pathogenic. This variant has not been reported in the literature in individuals affected with DNAH5-related conditions. This variant is a gross deletion of the genomic region encompassing exon(s) 57-58 of the DNAH5 gene. This deletion is out-of-frame, and is expected to create a premature termination codon and result in an absent or disrupted protein product. Loss-of-function variants in DNAH5 are known to be pathogenic (PMID: 11788826, 16627867).

Literature cited by the submitters: PubMed 11788826; PubMed 16627867.

NC_000005.9:g.(?_13769049)_(13769744_?)del

Gene: DNAH5 (dynein axonemal heavy chain 5; minus strand). Cytogenetic location: 5p15.2.
Variant type: Deletion.
Identifiers: ClinVar variation 3246263 (VCV003246263.1).